The following is an entry in ClinVar:

ClinVar aggregate classification (germline): Pathogenic/Likely pathogenic. Review status: criteria provided, multiple submitters, no conflicts (2 of 4 stars). 5 submissions from 5 submitters: Pathogenic (4); Likely pathogenic (1). Last evaluated 2026-01-08.

Conditions:
Factor I deficiency (CFID). Also called: Complement factor I deficiency. Identifiers: Orphanet 200418, MedGen C3463916, MONDO:0012594, OMIM 610984.
CFI-related disorder. Also called: CFI-related disorders; CFI-related condition. Identifiers: MedGen CN239325.

Submissions (5):

Labcorp Genetics (formerly Invitae), Labcorp
Classification: Pathogenic. Last evaluated: 2026-01-08. Review status: criteria provided, single submitter. Criteria: Invitae Variant Classification Sherloc (09022015). Collection method: clinical testing. Allele origin: germline.
Comment: This sequence change creates a premature translational stop signal (p.Leu484Valfs*3) in the CFI gene. It is expected to result in an absent or disrupted protein product. Loss-of-function variants in CFI are known to be pathogenic (PMID: 15917334, 16621965, 19065647, 20016463, 22710145). This variant is present in population databases (rs752767269, gnomAD 0.009%). This premature translational stop signal has been observed in individual(s) with CFI-related conditions (PMID: 27091480). This variant is also known as c.1446_1450delTTCAC (L466V, Q467G, W468X). ClinVar contains an entry for this variant (Variation ID: 1458867). For these reasons, this variant has been classified as Pathogenic.

Genomenon, Inc
Classification: Pathogenic for CFI-related disorder. Last evaluated: 2025-09-26. Review status: criteria provided, single submitter. Criteria: Genomenon Sequence Variant Interpretation Standards - Updated. Collection method: curation. Allele origin: germline. Affected: yes.
Comment: CFI p.Leu484ValfsTer3 (c.1446_1450del) is a frameshift variant that results in the production of a truncated protein which is predicted to undergo nonsense-mediated mRNA decay. This variant has been observed in at least one proband affected with a CFI-related disorder (PMID:35619721;23519521;17597211;16621965;27091480). At least one functional study has demonstrated a substantial alteration in protein function relative to the wild-type (PMID:17597211;19877009). It is absent or not present at a significant frequency in gnomAD. In conclusion, we classify CFI p.Leu484ValfsTer3 (c.1446_1450del) as a pathogenic variant.

PreventionGenetics, part of Exact Sciences
Classification: Pathogenic for CFI-related condition. Last evaluated: 2024-10-29. Review status: criteria provided, single submitter. Criteria: ACMG Guidelines, 2015. Collection method: clinical testing. Allele origin: germline.
Comment: The CFI c.1450_1454del5 variant is predicted to result in a frameshift and premature protein termination (p.Leu484Valfs*3). This variant has been reported in the homozygous state in an individual with CFI-related conditions (Caprioli et al. 2006. PubMed ID: 16621965). This variant is reported in 0.014% of alleles in individuals of Latino descent in gnomAD. Frameshift variants in CFI are expected to be pathogenic. This variant is interpreted as pathogenic.

Genetic Services Laboratory, University of Chicago
Classification: Likely pathogenic. Last evaluated: 2023-11-16. Review status: criteria provided, single submitter. Criteria: ACMG Guidelines, 2015. Collection method: clinical testing. Allele origin: germline. Affected: yes.
Comment: DNA sequence analysis of the CFI gene demonstrated a 5 base pair deletion in exon 12, c.1450_1454del. This likely pathogenic sequence change results in an amino acid frameshift and creates a premature stop codon 3 amino acids downstream of the change, p.Leu484Valfs*3. This sequence change is predicted to result in an abnormal transcript, which may be degraded, or may lead to the production of a truncated CFI protein with potentially abnormal function. This sequence change has been described in the gnomAD database with a frequency of 0.014% in the Latino subpopulation (dbSNP rs752767269). This sequence change has previously been described in several unrelated individuals with complement factor I deficiency [PMID: 27091480, 35619721, 31231365] and in several unrelated individuals with aHUS [PMID: 16621965, 23431077, 23519521]. These collective evidences indicate that this sequence change is likely pathogenic; however, functional studies have not been performed to prove this conclusively.

Dasa
Classification: Pathogenic for Factor I deficiency. Last evaluated: 2022-08-10. Review status: criteria provided, single submitter. Criteria: ACMG Guidelines, 2015. Collection method: clinical testing. Allele origin: germline. Observed: 1 variant allele.
Comment: The c.1450_1454del;p.(Leu484Valfs*3) is a null frameshift variant (NMD) in the CFI gene and predicts alteration of the nonsense-mediate decay - NMD is present in a relevant exon to the transcript - PVS1.This sequence change has been observed in affected individual(s) (PMID: 31231365) - The variant is present at low allele frequencies population databases (rs752767269 – gnomAD 0.0002787%; ABraOM no frequency) -PM2_supporting.The p.(Leu484Valfs*3) was detected in trans with a pathogenic variant (PMID: 31231365) - PM3. In summary, the currently available evidence indicates that the variant is pathogenic.

Literature cited by the submitters: PubMed 15917334 (cited by Labcorp Genetics (formerly Invitae), Labcorp); PubMed 16621965 (cited by Labcorp Genetics (formerly Invitae), Labcorp); PubMed 19065647 (cited by Labcorp Genetics (formerly Invitae), Labcorp); PubMed 20016463 (cited by Labcorp Genetics (formerly Invitae), Labcorp); PubMed 22710145 (cited by Labcorp Genetics (formerly Invitae), Labcorp); PubMed 27091480 (cited by Labcorp Genetics (formerly Invitae), Labcorp); PubMed 35619721 (cited by Genomenon, Inc); 23519521 (cited by Genomenon, Inc); 17597211 (cited by Genomenon, Inc); 16621965 (cited by Genomenon, Inc); 27091480 (cited by Genomenon, Inc); 19877009 (cited by Genomenon, Inc); PubMed 31231365 (cited by Dasa).

NM_000204.5(CFI):c.1450_1454del (p.Leu484fs)

Gene: CFI (complement factor I; minus strand). Cytogenetic location: 4q25.
Variant type: Deletion.
Coding change: c.1450_1454del on transcript NM_000204.5 (MANE Select); coding-DNA positions 1450 to 1454, 5 bases deleted (CTTCA; older notation c.1450_1454delCTTCA).
Protein change: p.Leu484fs; shifts the reading frame from leucine 484.
Molecular consequence: frameshift variant. On other transcripts: non-coding transcript variant (3).
Genome position (GRCh38, 1-based): chr4:109,742,571-109,742,575, TGAAG deleted on the plus strand (CTTCA on the coding strand, the reverse complement: CFI is on the minus strand); deleting any 5 consecutive bases within chr4:109,742,571-109,742,579 gives the same sequence; the c. name uses the placement nearest the transcript's 3' end. VCF-style (leftmost placement, unchanged base first): chr4-109742570-CTGAAG-C. GRCh37 (hg19) VCF-style: chr4-110663726-CTGAAG-C.
Other names: c.1446_1450del (NM_000204.5); c.1450_1454del5 (NM_000204.4); c.1474_1478del, p.Leu492fs (NM_001318057.2, NM_001375278.1); c.1429_1433del, p.Leu477fs (NM_001331035.2, NM_001375280.1, NM_001375282.1); c.1450_1454del, p.Leu484fs (NM_001375279.1, NM_001375281.1); c.1393_1397del, p.Leu465fs (NM_001375283.1); c.841_845del, p.Leu281fs (NM_001375284.1); short protein forms L465fs, L281fs, L477fs, L484fs, L492fs.
Identifiers: ClinVar variation 1458867 (VCV001458867.12), dbSNP rs752767269, ClinGen allele CA3041891.